The following is an entry in ClinVar:

ClinVar aggregate classification (germline): Uncertain significance. Review status: criteria provided, multiple submitters, no conflicts (2 of 4 stars). 2 submissions from 2 submitters: Uncertain significance (2). Last evaluated 2022-07-13.

Conditions:
Congenital myasthenic syndrome 4A. Also called: Myasthenic syndrome, congenital, 4a, slow-channel; CONGENITAL MYASTHENIC SYNDROME TYPE Ia1; MYASTHENIC SYNDROME, CONGENITAL, 4A, SLOW-CHANNEL, AUTOSOMAL RECESSIVE. Identifiers: Orphanet 590, MedGen C4225413, MONDO:0011600, OMIM 605809.
Inborn genetic diseases. Identifiers: MedGen C0950123, MeSH D030342.

Allele frequency attached by ClinVar (database versions not stated): gnomAD 0.00001; gnomAD exomes 0.00002; TOPMed 0.00002.
gnomAD v4.1: 28 of 1,545,160 alleles (0.0018%); highest among the groups gnomAD compares: Admixed American, 0.004%; no homozygotes.

Submissions (2):

Ambry Genetics
Classification: Uncertain significance for Inborn genetic diseases. Last evaluated: 2022-07-13. Review status: criteria provided, single submitter. Criteria: Ambry Variant Classification Scheme 2023. Collection method: clinical testing. Allele origin: germline.

Labcorp Genetics (formerly Invitae), Labcorp
Classification: Uncertain significance for Congenital myasthenic syndrome 4A. Last evaluated: 2022-03-19. Review status: criteria provided, single submitter. Criteria: Invitae Variant Classification Sherloc (09022015). Collection method: clinical testing. Allele origin: germline.
Comment: This sequence change replaces proline, which is neutral and non-polar, with leucine, which is neutral and non-polar, at codon 358 of the CHRNE protein (p.Pro358Leu). The frequency data for this variant in the population databases is considered unreliable, as metrics indicate poor data quality at this position in the gnomAD database. This variant has not been reported in the literature in individuals affected with CHRNE-related conditions. Advanced modeling of protein sequence and biophysical properties (such as structural, functional, and spatial information, amino acid conservation, physicochemical variation, residue mobility, and thermodynamic stability) performed at Invitae indicates that this missense variant is not expected to disrupt CHRNE protein function. In summary, the available evidence is currently insufficient to determine the role of this variant in disease. Therefore, it has been classified as a Variant of Uncertain Significance.

NM_000080.4(CHRNE):c.1073C>T (p.Pro358Leu)

Genes: CHRNE (cholinergic receptor nicotinic epsilon subunit; minus strand), LOC130060041 (ATAC-STARR-seq lymphoblastoid silent region 8050; plus strand). Cytogenetic location: 17p13.2.
Variant type: single nucleotide variant.
Coding change: c.1073C>T on transcript NM_000080.4 (MANE Select); coding-DNA position 1073, C replaced by T.
Protein change: p.Pro358Leu; replaces proline 358 with leucine.
Molecular consequence: missense variant.
Genome position (GRCh38, 1-based): chr17:4,899,344, G>A on the plus strand (C>T on the coding strand, the complement: CHRNE is on the minus strand). VCF-style: chr17-4899344-G-A. GRCh37 (hg19) VCF-style: chr17-4802639-G-A.
Other names: short protein forms P358L.
Identifiers: ClinVar variation 2056181 (VCV002056181.2), dbSNP rs974582156, ClinGen allele CA287180337.